The following is an entry in ClinVar:

ClinVar aggregate classification (germline): Conflicting classifications of pathogenicity. Review status: criteria provided, conflicting classifications (1 of 4 stars). 3 submissions from 3 submitters: Uncertain significance (2); Likely benign (1). Last evaluated 2026-01-25.

Conditions:
Progressive microcephaly-seizures-cortical blindness-developmental delay syndrome. Also called: Seizures, cortical blindness, and microcephaly syndrome. Identifiers: Orphanet 477814, MedGen C5567650, MONDO:0014714, OMIM 616632.
Autosomal dominant nonsyndromic hearing loss 1. Also called: KONIGSMARK SYNDROME; DEAFNESS, AUTOSOMAL DOMINANT 1, WITH OR WITHOUT THROMBOCYTOPENIA. Identifiers: Orphanet 90635, MedGen C1852282, MONDO:0007424, OMIM 124900.

Allele frequency attached by ClinVar (database versions not stated): gnomAD exomes below 0.00001.
gnomAD v4.1: 6 of 1,614,118 alleles (0.00037%); highest among the groups gnomAD compares: South Asian, 0.0011%; no homozygotes.

Submissions (3):

Labcorp Genetics (formerly Invitae), Labcorp
Classification: Uncertain significance for Progressive microcephaly-seizures-cortical blindness-developmental delay syndrome; Autosomal dominant nonsyndromic hearing loss 1. Last evaluated: 2026-01-25. Review status: criteria provided, single submitter. Criteria: Invitae Variant Classification Sherloc (09022015). Collection method: clinical testing. Allele origin: germline.
Comment: This sequence change replaces histidine, which is basic and polar, with tyrosine, which is neutral and polar, at codon 524 of the DIAPH1 protein (p.His524Tyr). This variant is present in population databases (no rsID available, gnomAD 0.003%). This variant has not been reported in the literature in individuals affected with DIAPH1-related conditions. ClinVar contains an entry for this variant (Variation ID: 1396157). Experimental studies and prediction algorithms are not available or were not evaluated, and the functional significance of this variant is currently unknown. In summary, the available evidence is currently insufficient to determine the role of this variant in disease. Therefore, it has been classified as a Variant of Uncertain Significance.

GeneDx
Classification: Uncertain significance. Last evaluated: 2024-06-17. Review status: criteria provided, single submitter. Criteria: GeneDx Variant Classification Process June 2021. Collection method: clinical testing. Allele origin: germline. Affected: yes.
Comment: Not observed at significant frequency in large population cohorts (gnomAD); In silico analysis indicates that this missense variant does not alter protein structure/function; Has not been previously published as pathogenic or benign to our knowledge

Blueprint Genetics
Classification: Likely benign. Last evaluated: 2022-03-22. Review status: criteria provided, single submitter. Criteria: ACMG Guidelines, 2015. Collection method: clinical testing. Allele origin: germline.

NM_005219.5(DIAPH1):c.1570C>T (p.His524Tyr)

Gene: DIAPH1 (diaphanous related formin 1; minus strand). Cytogenetic location: 5q31.3.
Variant type: single nucleotide variant.
Coding change: c.1570C>T on transcript NM_005219.5 (MANE Select); coding-DNA position 1570, C replaced by T.
Protein change: p.His524Tyr; replaces histidine 524 with tyrosine.
Molecular consequence: missense variant.
Genome position (GRCh38, 1-based): chr5:141,575,038, G>A on the plus strand (C>T on the coding strand, the complement: DIAPH1 is on the minus strand). VCF-style: chr5-141575038-G-A. GRCh37 (hg19) VCF-style: chr5-140954605-G-A.
Other names: c.1543C>T, p.His515Tyr (NM_001079812.3); c.1570C>T, p.His524Tyr (NM_001314007.2); c.1570C>T (NM_005219.4); short protein forms H515Y, H524Y.
Identifiers: ClinVar variation 1396157 (VCV001396157.8), dbSNP rs1453865659, ClinGen allele CA361523579.